The following is an entry in ClinVar:

ClinVar aggregate classification (germline): Uncertain significance. Review status: criteria provided, multiple submitters, no conflicts (2 of 4 stars). 3 submissions from 3 submitters: Uncertain significance (3). Last evaluated 2026-02-01.

Allele frequency attached by ClinVar (database versions not stated): 1000 Genomes Project 30x 0.00016; ExAC 0.00017; ESP Exome Variant Server 0.00032; gnomAD exomes 0.00032 and 0.00095; TOPMed 0.00046; gnomAD 0.00048 and 0.00051.
gnomAD v4.1: 1,389 of 1,548,110 alleles (0.09%); highest among the groups gnomAD compares: Non-Finnish European, 0.12%; 1 homozygote.

Submissions (3):

Labcorp Genetics (formerly Invitae), Labcorp
Classification: Uncertain significance. Last evaluated: 2026-02-01. Review status: criteria provided, single submitter. Criteria: Invitae Variant Classification Sherloc (09022015). Collection method: clinical testing. Allele origin: germline.
Comment: This sequence change replaces glutamine, which is neutral and polar, with arginine, which is basic and polar, at codon 217 of the VAV1 protein (p.Gln217Arg). This variant is present in population databases (rs201002344, gnomAD 0.07%), and has an allele count higher than expected for a pathogenic variant. This variant has not been reported in the literature in individuals affected with VAV1-related conditions. ClinVar contains an entry for this variant (Variation ID: 548023). An algorithm developed to predict the effect of missense changes on protein structure and function (PolyPhen-2) suggests that this variant is likely to be tolerated. In summary, the available evidence is currently insufficient to determine the role of this variant in disease. Therefore, it has been classified as a Variant of Uncertain Significance.

Ambry Genetics
Classification: Uncertain significance. Last evaluated: 2021-08-13. Review status: criteria provided, single submitter. Criteria: Ambry Variant Classification Scheme 2023. Collection method: clinical testing. Allele origin: germline.

Mayo Clinic Laboratories, Mayo Clinic
Classification: Uncertain significance. Last evaluated: 2018-01-29. Review status: criteria provided, single submitter. Criteria: ACMG Guidelines, 2015. Collection method: clinical testing. Allele origin: paternal.

NM_005428.4(VAV1):c.650A>G (p.Gln217Arg)

Gene: VAV1 (vav guanine nucleotide exchange factor 1; plus strand). Cytogenetic location: 19p13.3.
Variant type: single nucleotide variant.
Coding change: c.650A>G on transcript NM_005428.4 (MANE Select); coding-DNA position 650, A replaced by G.
Protein change: p.Gln217Arg; replaces glutamine 217 with arginine.
Molecular consequence: missense variant. On other transcripts: intron variant (1).
Genome position (GRCh38, 1-based): chr19:6,822,510, A>G. VCF-style: chr19-6822510-A-G. GRCh37 (hg19) VCF-style: chr19-6822521-A-G.
Other names: c.650A>G (NM_005428.2); c.650A>G, p.Gln217Arg (NM_001258206.2); c.558+181A>G (NM_001258207.2); short protein forms Q217R.
Identifiers: ClinVar variation 548023 (VCV000548023.11), dbSNP rs201002344, ClinGen allele CA9132287.